The following is an entry in ClinVar:

NM_024675.4(PALB2):c.2012T>C (p.Leu671Ser)

Gene: PALB2 (partner and localizer of BRCA2; minus strand). Cytogenetic location: 16p12.2.
Variant type: single nucleotide variant.
Coding change: c.2012T>C on transcript NM_024675.4 (MANE Select); coding-DNA position 2012, T replaced by C.
Protein change: p.Leu671Ser; replaces leucine 671 with serine.
Molecular consequence: missense variant. On other transcripts: intron variant (1).
Genome position (GRCh38, 1-based): chr16:23,630,142, A>G on the plus strand (T>C on the coding strand, the complement: PALB2 is on the minus strand). VCF-style: chr16-23630142-A-G. GRCh37 (hg19) VCF-style: chr16-23641463-A-G.
Other names: c.1952T>C, p.Leu651Ser (NM_001407296.1); c.2012T>C, p.Leu671Ser (NM_001407297.1, NM_001407298.1, NM_001407299.1 and 3 more transcripts); c.1127T>C, p.Leu376Ser (NM_001407304.1, NM_001407305.1, NM_001407306.1 and 5 more transcripts); c.224T>C, p.Leu75Ser (NM_001407312.1, NM_001407313.1); c.49-867T>C (NM_001407314.1); short protein forms L376S, L671S, L651S, L75S.
Identifiers: ClinVar variation 2697505 (VCV002697505.4), dbSNP rs755263466, ClinGen allele CA395127076.

ClinVar aggregate classification (germline): Uncertain significance. Review status: criteria provided, multiple submitters, no conflicts (2 of 4 stars). 2 submissions from 2 submitters: Uncertain significance (2). Last evaluated 2024-05-18.

Conditions:
Hereditary cancer-predisposing syndrome. Also called: Neoplastic Syndromes, Hereditary; Tumor predisposition; Hereditary neoplastic syndrome; Hereditary Cancer Syndrome. Identifiers: Orphanet 140162, MedGen C0027672, MeSH D009386, MONDO:0015356.
Familial cancer of breast. Also called: hereditary breast carcinoma; Hereditary breast cancer; BREAST CANCER, FAMILIAL. Identifiers: Orphanet 227535, MedGen C0346153, MONDO:0016419, OMIM 114480. Disease mechanism: loss of function.

Submissions (2):

Ambry Genetics
Classification: Uncertain significance for Hereditary cancer-predisposing syndrome. Last evaluated: 2024-05-18. Review status: criteria provided, single submitter. Criteria: Ambry Variant Classification Scheme 2023. Collection method: clinical testing. Allele origin: germline.
Comment: The p.L671S variant (also known as c.2012T>C), located in coding exon 5 of the PALB2 gene, results from a T to C substitution at nucleotide position 2012. The leucine at codon 671 is replaced by serine, an amino acid with dissimilar properties. This amino acid position is conserved. In addition, this alteration is predicted to be tolerated by in silico analysis. Based on the available evidence, the clinical significance of this variant remains unclear.

Labcorp Genetics (formerly Invitae), Labcorp
Classification: Uncertain significance for Familial cancer of breast. Last evaluated: 2023-06-07. Review status: criteria provided, single submitter. Criteria: Invitae Variant Classification Sherloc (09022015). Collection method: clinical testing. Allele origin: germline.
Comment: In summary, the available evidence is currently insufficient to determine the role of this variant in disease. Therefore, it has been classified as a Variant of Uncertain Significance. Advanced modeling of protein sequence and biophysical properties (such as structural, functional, and spatial information, amino acid conservation, physicochemical variation, residue mobility, and thermodynamic stability) performed at Invitae indicates that this missense variant is not expected to disrupt PALB2 protein function. This variant has not been reported in the literature in individuals affected with PALB2-related conditions. This variant is not present in population databases (gnomAD no frequency). This sequence change replaces leucine, which is neutral and non-polar, with serine, which is neutral and polar, at codon 671 of the PALB2 protein (p.Leu671Ser).